The following is an entry in ClinVar:

NM_001039753.4(EML6):c.4149T>A (p.Leu1383=)

Genes: EML6 (EMAP like 6; plus strand), LOC126806221 (BRD4-independent group 4 enhancer GRCh37_chr2:55177255-55178454; plus strand). Cytogenetic location: 2p16.1.
Variant type: single nucleotide variant.
Coding change: c.4149T>A on transcript NM_001039753.4 (MANE Select); coding-DNA position 4149, T replaced by A.
Protein change: p.Leu1383=; no amino-acid change (leucine 1383 retained).
Molecular consequence: synonymous variant.
Genome position (GRCh38, 1-based): chr2:54,950,715, T>A. VCF-style: chr2-54950715-T-A. GRCh37 (hg19) VCF-style: chr2-55177852-T-A.
Identifiers: ClinVar variation 3778198 (VCV003778198.7).

ClinVar aggregate classification (germline): Likely benign (1 of 4 stars; one submission).

gnomAD v4.1: 757 of 1,551,552 alleles (0.049%); highest among the groups gnomAD compares: Non-Finnish European, 0.061%; 2 homozygotes.

Submission:

CeGaT Center for Human Genetics Tuebingen
Classification: Likely benign. Last evaluated: 2025-03-01. Review status: criteria provided, single submitter. Criteria: CeGaT Center For Human Genetics Tuebingen Variant Classification Criteria Version 2. Collection method: clinical testing. Allele origin: germline. Affected: yes. Observed: 1 variant allele.
Comment: EML6: BP4, BP7